The following is an entry in ClinVar:

ClinVar aggregate classification (germline): Uncertain significance (1 of 4 stars; one submission).

Conditions:
Arrhythmogenic cardiomyopathy with wooly hair and keratoderma. Also called: Carvajal syndrome; PALMOPLANTAR KERATODERMA WITH LEFT VENTRICULAR CARDIOMYOPATHY AND WOOLLY HAIR; Dilated cardiomyopathy with woolly hair and keratoderma; Arrhythmogenic cardiomyopathy with woolly hair and keratoderma. Identifiers: Orphanet 65282, MedGen C1854063, MONDO:0011581, OMIM 605676.

gnomAD v4.1: 3 of 1,614,114 alleles (0.00019%); highest among the groups gnomAD compares: South Asian, 0.0033%; no homozygotes.

Submission:

All of Us Research Program, National Institutes of Health
Classification: Uncertain significance for Arrhythmogenic cardiomyopathy with wooly hair and keratoderma. Last evaluated: 2024-03-24. Review status: criteria provided, single submitter. Criteria: ACMG Guidelines, 2015. Collection method: clinical testing. Allele origin: germline. Inheritance: Autosomal dominant inheritance. Observed: 1 variant allele, 1 heterozygote.
Comment: This missense variant replaces glutamic acid with glutamine at codon 1035 of the DSP protein. Computational prediction suggests that this variant may not impact protein structure and function (internally defined REVEL score threshold <= 0.5, PMID: 27666373). To our knowledge, functional studies have not been reported for this variant. This variant has not been reported in individuals affected with DSP-related disorders in the literature. This variant has been identified in 3/250650 chromosomes in the general population by the Genome Aggregation Database (gnomAD). The available evidence is insufficient to determine the role of this variant in disease conclusively. Therefore, this variant is classified as a Variant of Uncertain Significance.

This study involves interpretation of variants in research participants for the purpose of population health screening. Participant phenotype was not available at the time of variant classification. Additional details can be found in publication PMID: 35346344, PMCID: PMC8962531

NM_004415.4(DSP):c.3103G>C (p.Glu1035Gln)

Gene: DSP (desmoplakin; plus strand). Cytogenetic location: 6p24.3.
Variant type: single nucleotide variant.
Coding change: c.3103G>C on transcript NM_004415.4 (MANE Select); coding-DNA position 3103, G replaced by C.
Protein change: p.Glu1035Gln; replaces glutamic acid 1035 with glutamine.
Molecular consequence: missense variant.
Genome position (GRCh38, 1-based): chr6:7,579,293, G>C. VCF-style: chr6-7579293-G-C. GRCh37 (hg19) VCF-style: chr6-7579526-G-C.
Other names: c.3103G>C, p.Glu1035Gln (NM_001008844.3, NM_001319034.2); short protein forms E1035Q.
Identifiers: ClinVar variation 3386655 (VCV003386655.1).